The following is an entry in ClinVar:

NM_000135.4(FANCA):c.2057C>T (p.Ala686Val)

Gene: FANCA (FA complementation group A; minus strand). Cytogenetic location: 16q24.3.
Variant type: single nucleotide variant.
Coding change: c.2057C>T on transcript NM_000135.4 (MANE Select); coding-DNA position 2057, C replaced by T.
Protein change: p.Ala686Val; replaces alanine 686 with valine.
Molecular consequence: missense variant.
Genome position (GRCh38, 1-based): chr16:89,771,772, G>A on the plus strand (C>T on the coding strand, the complement: FANCA is on the minus strand). VCF-style: chr16-89771772-G-A. GRCh37 (hg19) VCF-style: chr16-89838180-G-A.
Other names: c.2057C>T, p.Ala686Val (NM_001286167.3); short protein forms A686V.
Identifiers: ClinVar variation 3581519 (VCV003581519.3).

ClinVar aggregate classification (germline): Uncertain significance. Review status: criteria provided, multiple submitters, no conflicts (2 of 4 stars). 3 submissions from 3 submitters: Uncertain significance (3). Last evaluated 2025-09-28.

Conditions:
Inborn genetic diseases. Identifiers: MedGen C0950123, MeSH D030342.
Fanconi anemia (FA). Also called: Fanconi's anemia. Identifiers: Orphanet 84, MedGen C0015625, MeSH D005199, MONDO:0019391.
Fanconi anemia complementation group A (FANCA). Also called: FANCA-Related Fanconi Anemia; Fanconi anemia, group A. Identifiers: Orphanet 84, MedGen C3469521, MONDO:0009215, OMIM 227650.

gnomAD v4.1: 3 of 1,613,944 alleles (0.00019%); highest among the groups gnomAD compares: African/African-American, 0.0027%; no homozygotes.

Submissions (3):

Labcorp Genetics (formerly Invitae), Labcorp
Classification: Uncertain significance for Fanconi anemia. Last evaluated: 2025-09-28. Review status: criteria provided, single submitter. Criteria: Invitae Variant Classification Sherloc (09022015). Collection method: clinical testing. Allele origin: germline.
Comment: This sequence change replaces alanine, which is neutral and non-polar, with valine, which is neutral and non-polar, at codon 686 of the FANCA protein (p.Ala686Val). This variant is present in population databases (rs772737454, gnomAD 0.01%). This variant has not been reported in the literature in individuals affected with FANCA-related conditions. ClinVar contains an entry for this variant (Variation ID: 3581519). Invitae Evidence Modeling of protein sequence and biophysical properties (such as structural, functional, and spatial information, amino acid conservation, physicochemical variation, residue mobility, and thermodynamic stability) indicates that this missense variant is not expected to disrupt FANCA protein function with a negative predictive value of 95%. In summary, the available evidence is currently insufficient to determine the role of this variant in disease. Therefore, it has been classified as a Variant of Uncertain Significance.

Ambry Genetics
Classification: Uncertain significance for Inborn genetic diseases. Last evaluated: 2025-02-20. Review status: criteria provided, single submitter. Criteria: Ambry Variant Classification Scheme 2023. Collection method: clinical testing. Allele origin: germline.
Comment: The p.A686V variant (also known as c.2057C>T), located in coding exon 23 of the FANCA gene, results from a C to T substitution at nucleotide position 2057. The alanine at codon 686 is replaced by valine, an amino acid with similar properties. This amino acid position is conserved. In addition, this alteration is predicted to be tolerated by in silico analysis. Based on the available evidence, the clinical significance of this variant remains unclear.

Fulgent Genetics
Classification: Uncertain significance for Fanconi anemia complementation group A. Last evaluated: 2024-05-03. Review status: criteria provided, single submitter. Criteria: ACMG Guidelines, 2015. Collection method: clinical testing. Allele origin: germline.